The following is an entry in ClinVar:

ClinVar aggregate classification (germline): Likely benign. Review status: criteria provided, single submitter (1 of 4 stars). 2 submissions from 2 submitters: Likely benign (1). 1 of the submissions does not count toward it. Last evaluated 2024-06-27.

Conditions:
PKD1-related disorder. Also called: PKD1-related condition.

Allele frequency attached by ClinVar (database versions not stated): gnomAD exomes 0.00003; ESP Exome Variant Server 0.00014; gnomAD 0.00020.
gnomAD v4.1: 73 of 1,467,168 alleles (0.005%); highest among the groups gnomAD compares: African/African-American, 0.04%; no homozygotes.

Submissions (2):

Blueprint Genetics
Classification: Likely benign. Last evaluated: 2024-06-27. Review status: criteria provided, single submitter. Criteria: ACMG Guidelines, 2015. Collection method: clinical testing. Allele origin: germline.

PreventionGenetics, part of Exact Sciences
Classification: Likely benign for PKD1-related condition. Last evaluated: 2020-12-15. Review status: no assertion criteria provided. Collection method: clinical testing. Allele origin: germline. Not counted in ClinVar's aggregate classification.
Comment: This variant is classified as likely benign based on ACMG/AMP sequence variant interpretation guidelines (Richards et al. 2015 PMID: 25741868, with internal and published modifications).

NM_001009944.3(PKD1):c.2910C>T (p.Asn970=)

Gene: PKD1 (polycystin 1, transient receptor potential channel interacting; minus strand). Cytogenetic location: 16p13.3.
Variant type: single nucleotide variant.
Coding change: c.2910C>T on transcript NM_001009944.3 (MANE Select); coding-DNA position 2910, C replaced by T.
Protein change: p.Asn970=; no amino-acid change (asparagine 970 retained).
Molecular consequence: synonymous variant.
Genome position (GRCh38, 1-based): chr16:2,113,236, G>A on the plus strand (C>T on the coding strand, the complement: PKD1 is on the minus strand). VCF-style: chr16-2113236-G-A. GRCh37 (hg19) VCF-style: chr16-2163237-G-A.
Other names: c.2910C>T, p.Asn970= (NM_000296.4).
Identifiers: ClinVar variation 3043170 (VCV003043170.3), dbSNP rs141593727, ClinGen allele CA7833025.